The following is an entry in ClinVar:

ClinVar aggregate classification (germline): Uncertain significance. Review status: criteria provided, multiple submitters, no conflicts (2 of 4 stars). 5 submissions from 5 submitters: Uncertain significance (4). 1 of the submissions does not count toward it. Last evaluated 2025-12-02.

Conditions:
VHL-related disorder. Also called: VHL-related condition.
Von Hippel-Lindau syndrome (VHLS). Also called: VHL syndrome; Von Hippel-Lindau; von Hippel–Lindau syndrome. Identifiers: Orphanet 892, MedGen C0019562, MONDO:0008667, OMIM 193300. Disease mechanism: loss of function.
Chuvash polycythemia. Also called: POLYCYTHEMIA, VHL-DEPENDENT. Identifiers: Orphanet 238557, MedGen C1837915, MONDO:0009892, OMIM 263400.
Hereditary cancer-predisposing syndrome. Also called: Tumor predisposition; Hereditary neoplastic syndrome; Neoplastic Syndromes, Hereditary; Hereditary Cancer Syndrome. Identifiers: Orphanet 140162, MedGen C0027672, MeSH D009386, MONDO:0015356.

Submissions (5):

PreventionGenetics, part of Exact Sciences
Classification: Uncertain significance for VHL-related condition. Last evaluated: 2025-12-02. Review status: criteria provided, single submitter. Criteria: ACMG Guidelines, 2015. Collection method: clinical testing. Allele origin: germline.
Comment: The VHL c.28G>T variant is predicted to result in premature protein termination (p.Glu10*). This variant has been reported in the heterozygous state in an individual with erythrocytosis (Bento et al. 2014. PubMed ID: 24115288). It has also been identified in a cohort of individuals with hereditary cancer (Table S1, Bilyalov et al. 2023. PubMed ID: 38201513). This variant has not been reported in a large population database (gnomAD), indicating this variant is rare. Nonsense variants in VHL are expected to be pathogenic. However, an alternate downstream methionine at codon 54 in exon 1 may be used to initiate translation and generate a functionally active protein (Liopoulos et al. 1998. PubMed ID: 9751722; Schoenfeld et al. 1998. PubMed ID: 9671762; Blankenship et al. 1999. PubMed ID: 10102622). Although we suspect that this variant may be pathogenic, at this time, the clinical significance of this variant is uncertain due to the absence of conclusive functional and genetic evidence.

Labcorp Genetics (formerly Invitae), Labcorp
Classification: Uncertain significance for Von Hippel-Lindau syndrome; Chuvash polycythemia. Last evaluated: 2025-10-06. Review status: criteria provided, single submitter. Criteria: Invitae Variant Classification Sherloc (09022015). Collection method: clinical testing. Allele origin: germline.
Comment: This sequence change creates a premature translational stop signal (p.Glu10*) in the VHL gene. It is unclear whether it will result in an absent or disrupted protein product because an in-frame methionine located at codon 54 has the potential to rescue this variant. This variant is not present in population databases (gnomAD no frequency). This premature translational stop signal has been observed in individual(s) with cancer of unknown type and/or congenital erythrocytosis (PMID: 24115288, 38201513). ClinVar contains an entry for this variant (Variation ID: 548745). Several studies have shown that the VHL protein created from a downstream methionine located at codon 54 is biologically active, and exhibits properties similar to the full-length, wild-type protein (PMID: 9671762, 9751722). In summary, the available evidence is currently insufficient to determine the role of this variant in disease. Therefore, it has been classified as a Variant of Uncertain Significance.

All of Us Research Program, National Institutes of Health
Classification: Uncertain significance for Von Hippel-Lindau syndrome. Last evaluated: 2023-12-13. Review status: criteria provided, single submitter. Criteria: ACMG Guidelines, 2015. Collection method: clinical testing. Allele origin: germline. Inheritance: Autosomal dominant inheritance. Observed: 1 variant allele, 1 heterozygote.
Comment: This variant changes 1 nucleotide in exon 1 of the VHL gene, creating a premature translation stop signal. This variant is expected to result in an absent or non-functional protein product. However, there is a naturally occurring VHL protein isoform that has start of translation at methionine 54 and appears to retain tumor suppressor activity (PMID: 9671762, 9751722, 10102622), which may ameliorate the deleterious effects of this N-terminal frameshift. To our knowledge, functional studies have not been reported for this variant. This variant has been reported in an individual affected with congenital erythrocytosis (PMID: 24115288). This variant has not been identified in the general population by the Genome Aggregation Database (gnomAD). Loss of VHL function is a known mechanism of disease. The available evidence is insufficient to determine the role of this variant in disease conclusively. Therefore, this variant is classified as a Variant of Uncertain Significance.

This study involves interpretation of variants in research participants for the purpose of population health screening. Participant phenotype was not available at the time of variant classification. Additional details can be found in publication PMID: 35346344, PMCID: PMC8962531

Ambry Genetics
Classification: Uncertain significance for Hereditary cancer-predisposing syndrome. Last evaluated: 2023-05-10. Review status: criteria provided, single submitter. Criteria: Ambry Variant Classification Scheme 2023. Collection method: clinical testing. Allele origin: germline.
Comment: The p.E10* variant (also known as c.28G>T), located in coding exon 1 of the VHL gene, results from a G to T substitution at nucleotide position 28. This changes the amino acid from a glutamic acid to a stop codon within coding exon 1. Premature stop codons are typically deleterious in nature; however, an alternate initiation codon exists 44 residues downstream from this alteration and is reported to result in a biologically active isoform known as VHL19 (Schoenfeld A et al. Proc. Natl. Acad. Sci. U.S.A. 1998 Jul; 95(15):8817-22; Iliopoulos O et al. Proc. Natl. Acad. Sci. U.S.A. 1998 Sep; 95(20):11661-6). Since supporting evidence is limited at this time, the clinical significance of this alteration remains unclear.

Counsyl
Classification: Uncertain significance for Von Hippel-Lindau syndrome. Last evaluated: 2017-05-10. Review status: no assertion criteria provided. Collection method: clinical testing. Allele origin: unknown. Not counted in ClinVar's aggregate classification.

Literature cited by the submitters: PubMed 24115288 (cited by 3 submitters); PubMed 38201513 (cited by Labcorp Genetics (formerly Invitae), Labcorp); PubMed 9671762 (cited by 4 submitters); PubMed 9751722 (cited by 3 submitters); PubMed 10102622 (cited by All of Us Research Program, National Institutes of Health).

NM_000551.4(VHL):c.28G>T (p.Glu10Ter)

Gene: VHL (von Hippel-Lindau tumor suppressor; plus strand). Cytogenetic location: 3p25.3.
Variant type: single nucleotide variant.
Coding change: c.28G>T on transcript NM_000551.4 (MANE Select); coding-DNA position 28, G replaced by T.
Protein change: p.Glu10Ter; replaces glutamic acid 10 with a stop codon.
Molecular consequence: nonsense.
Genome position (GRCh38, 1-based): chr3:10,141,875, G>T. VCF-style: chr3-10141875-G-T. GRCh37 (hg19) VCF-style: chr3-10183559-G-T.
Other names: c.28G>T, p.Glu10Ter (NM_001354723.2, NM_198156.3); short protein forms E10*.
Identifiers: ClinVar variation 548745 (VCV000548745.16), dbSNP rs1057519261, ClinGen allele CA351747089.